The following is an entry in ClinVar:

NM_003361.4(UMOD):c.1198G>T (p.Ala400Ser)

Gene: UMOD (uromodulin; minus strand). Cytogenetic location: 16p12.3.
Variant type: single nucleotide variant.
Coding change: c.1198G>T on transcript NM_003361.4 (MANE Select); coding-DNA position 1198, G replaced by T.
Protein change: p.Ala400Ser; replaces alanine 400 with serine.
Molecular consequence: missense variant. On other transcripts: non-coding transcript variant (1).
Genome position (GRCh38, 1-based): chr16:20,344,157, C>A on the plus strand (G>T on the coding strand, the complement: UMOD is on the minus strand). VCF-style: chr16-20344157-C-A. GRCh37 (hg19) VCF-style: chr16-20355479-C-A.
Other names: c.1198G>T, p.Ala400Ser (NM_001008389.3, NM_001378232.1, NM_001378233.1 and 3 more transcripts); c.1297G>T, p.Ala433Ser (NM_001278614.2); short protein forms A400S, A433S.
Identifiers: ClinVar variation 3359093 (VCV003359093.2).

ClinVar aggregate classification (germline): Uncertain significance (1 of 4 stars; one submission).

Conditions:
Familial juvenile hyperuricemic nephropathy type 1 (ADTKD1). Also called: UMOD-Associated Kidney Disease; Uromodulin-associated kidney disease; Glomerulocystic kidney disease with hyperuricemia and isosthenuria; Medullary cystic kidney disease 2; Autosomal Dominant Tubulointerstitial Kidney Disease – UMOD. Identifiers: Orphanet 209886, Orphanet 34149, Orphanet 88950, MedGen C4551496, MONDO:0008073, OMIM 162000.

Submission:

Institute of Human Genetics, University of Leipzig Medical Center
Classification: Uncertain significance for Familial juvenile hyperuricemic nephropathy type 1. Last evaluated: 2024-09-04. Review status: criteria provided, single submitter. Criteria: ACMG Guidelines, 2015. Collection method: clinical testing. Allele origin: unknown. Inheritance: Autosomal dominant inheritance. Affected: yes.
Comment: Criteria applied: PM2